The following is an entry in ClinVar:

NM_001371928.1(AHDC1):c.1537G>A (p.Val513Met)

Gene: AHDC1 (AT-hook DNA binding motif containing 1; minus strand). Cytogenetic location: 1p36.11.
Variant type: single nucleotide variant.
Coding change: c.1537G>A on transcript NM_001371928.1 (MANE Select); coding-DNA position 1537, G replaced by A.
Protein change: p.Val513Met; replaces valine 513 with methionine.
Molecular consequence: missense variant.
Genome position (GRCh38, 1-based): chr1:27,550,579, C>T on the plus strand (G>A on the coding strand, the complement: AHDC1 is on the minus strand). VCF-style: chr1-27550579-C-T. GRCh37 (hg19) VCF-style: chr1-27877090-C-T.
Other names: c.1537G>A, p.Val513Met (NM_001029882.3); c.1537G>A (NM_001029882.2); short protein forms V513M.
Identifiers: ClinVar variation 1546783 (VCV001546783.35), dbSNP rs772405848, ClinGen allele CA715927.
Genomic context (GRCh38, chr1:27,550,579, plus strand): 5'-CCACTACCACGTTCCGCCCATTGTTCTTCATCTTCAGCAGCGGGGTGGGCTCAGCCGACA[C>T]GCGCAGGCCCAGCTCCTTGCCCTCCACGCTCAGGCTGCTGCTCAAGGAAGACACTTTGTA-3'
Protein context (NP_001358857.1, residues 503-523): SVEGKELGLR[Val513Met]SAEPTPLLKM

ClinVar aggregate classification (germline): Conflicting classifications of pathogenicity. Review status: criteria provided, conflicting classifications (1 of 4 stars). 5 submissions from 5 submitters: Uncertain significance (1); Likely benign (3). 1 of the submissions does not count toward it. Last evaluated 2025-12-08.

Conditions:
Inborn genetic diseases. Identifiers: MedGen C0950123, MeSH D030342.
AHDC1-related intellectual disability - obstructive sleep apnea - mild dysmorphism syndrome. Also called: Xia-Gibbs syndrome. Identifiers: Orphanet 412069, MedGen C4014419, MONDO:0014358, OMIM 615829.
AHDC1-related disorder. Also called: AHDC1-related condition.

Allele frequency attached by ClinVar (database versions not stated): gnomAD exomes 0.00003; ExAC 0.00004.

Submissions (5):

Labcorp Genetics (formerly Invitae), Labcorp
Classification: Likely benign. Last evaluated: 2025-12-08. Review status: criteria provided, single submitter. Criteria: Invitae Variant Classification Sherloc (09022015). Collection method: clinical testing. Allele origin: germline.

Ambry Genetics
Classification: Likely benign for Inborn genetic diseases. Last evaluated: 2024-11-10. Review status: criteria provided, single submitter. Criteria: Ambry Variant Classification Scheme 2023. Collection method: clinical testing. Allele origin: germline.

CeGaT Center for Human Genetics Tuebingen
Classification: Likely benign. Last evaluated: 2023-08-01. Review status: criteria provided, single submitter. Criteria: CeGaT Center For Human Genetics Tuebingen Variant Classification Criteria Version 2. Collection method: clinical testing. Allele origin: germline. Affected: yes. Observed: 1 variant allele.
Comment: AHDC1: BS2

Revvity Omics, Revvity
Classification: Uncertain significance for AHDC1-related intellectual disability - obstructive sleep apnea - mild dysmorphism syndrome. Last evaluated: 2019-03-22. Review status: criteria provided, single submitter. Criteria: ACMG Guidelines, 2015. Collection method: clinical testing. Allele origin: germline.

PreventionGenetics, part of Exact Sciences
Classification: Likely benign for AHDC1-related condition. Last evaluated: 2024-08-26. Review status: no assertion criteria provided. Collection method: clinical testing. Allele origin: germline. Not counted in ClinVar's aggregate classification.
Comment: This variant is classified as likely benign based on ACMG/AMP sequence variant interpretation guidelines (Richards et al. 2015 PMID: 25741868, with internal and published modifications).